The following continues an entry in ClinVar:

NM_007294.4(BRCA1):c.5353C>T (p.Gln1785Ter)

Gene: BRCA1. ClinVar aggregate classification (germline): Pathogenic. Pathogenic (1).

Submissions 12 to 16 of 16:

Sharing Clinical Reports Project (SCRP)
Classification: Pathogenic for Breast-ovarian cancer, familial 1. Last evaluated: 2012-05-23. Review status: no assertion criteria provided. Collection method: clinical testing. Allele origin: germline. Not counted in ClinVar's aggregate classification.

Breast Cancer Information Core (BIC) (BRCA1)
Classification: Pathogenic for Breast-ovarian cancer, familial 1. Last evaluated: 1998-06-26. Review status: no assertion criteria provided. Collection method: clinical testing. Allele origin: germline. Affected: yes. Observed: 4 variant alleles. Not counted in ClinVar's aggregate classification.

Brotman Baty Institute, University of Washington
No classification provided (evidence only). Condition: Breast-ovarian cancer, familial 1. Review status: no classification provided. Collection method: in vitro. Allele origin: not applicable. Functional consequence: functionally_abnormal. Not counted in ClinVar's aggregate classification.
ClinVar note: "not provided" was previously submitted as the classification for the variant. However, the classification appeared to be based only on an observation of functional data so it was converted to no classification on 2025-07-30.

Department of Pathology and Laboratory Medicine, Sinai Health System
Classification: Pathogenic for Malignant tumor of breast. Review status: no assertion criteria provided. Collection method: clinical testing. Allele origin: unknown. Affected: yes. Study: The Canadian Open Genetics Repository (COGR). Not counted in ClinVar's aggregate classification.
Comment: The p.Gln1785X variant was identified in 2 of 1018 proband chromosomes (frequency: 0.002) from individuals or families with breast or ovarian cancer (van der Hout 2003, Vogel 2007). In one study this variant was included among other deleterious variants found to cause loss of FHIT (fragile histidine triad) protein expression in matched tumour case-controls, suggesting that the BRCA1 repair pathway is important in protection of chromosomal fragile sites (Turner 2002). The variant was identified in dbSNP (ID: rs80356969) â€šÃ„ÃºWith pathogenic alleleâ€šÃ„Ã¹, HGMD, the BIC database (4X with pathogenic clinical importance), 2X in Clinvar (1X by multiple submitters: the Sharing Clinical Reports Project (SCRP) (submitted within the ClinVar database and derived from Myriad reports) as pathogenic, and BIC as pathogenic; and, 1X by Invitae, classification not provided). The p.Gln1785X variant leads to a premature stop codon at position 1785, which is predicted to lead to a truncated or absent protein and loss of function. Loss of function variants of the BRCA1 gene are an established mechanism of disease in hereditary breast and ovarian cancer and is the type of variant expected to cause the disorder. In summary, based on the above information, this variant meets our laboratoryâ€šÃ„Ã´s criteria to be classified as pathogenic.

Diagnostic Laboratory, Department of Genetics, University Medical Center Groningen
Classification: Pathogenic for Breast-ovarian cancer, familial, susceptibility to, 1. Review status: no assertion criteria provided. Collection method: clinical testing. Allele origin: germline. Affected: yes. Study: VKGL Data-share Consensus. Not counted in ClinVar's aggregate classification.

Literature cited by the submitters: PubMed 20104584 (cited by Labcorp Genetics (formerly Invitae), Labcorp); PubMed 16683254 (cited by 4 submitters); PubMed 17925560 (cited by 3 submitters); PubMed 27157322 (cited by 3 submitters); PubMed 30093976 (cited by Quest Diagnostics Nichols Institute San Juan Capistrano and Ambry Genetics); PubMed 29446198 (cited by 3 submitters); PubMed 30702160 (cited by Quest Diagnostics Nichols Institute San Juan Capistrano and Ambry Genetics); PubMed 37310942 (cited by Quest Diagnostics Nichols Institute San Juan Capistrano); PubMed 32438681 (cited by Quest Diagnostics Nichols Institute San Juan Capistrano); PubMed 31825140 (cited by Quest Diagnostics Nichols Institute San Juan Capistrano); PubMed 28888541 (cited by Quest Diagnostics Nichols Institute San Juan Capistrano and Ambry Genetics); PubMed 30128899 (cited by Quest Diagnostics Nichols Institute San Juan Capistrano and Women's Health and Genetics/Laboratory Corporation of America, LabCorp); PubMed 29681614 (cited by Quest Diagnostics Nichols Institute San Juan Capistrano and Ambry Genetics); PubMed 26295337 (cited by Quest Diagnostics Nichols Institute San Juan Capistrano); PubMed 30209399 (cited by Ambry Genetics); PubMed 30720243 (cited by Ambry Genetics); PubMed 30875412 (cited by Ambry Genetics).